The following is an entry in ClinVar:

NM_000382.3(ALDH3A2):c.362C>T (p.Pro121Leu)

Gene: ALDH3A2 (aldehyde dehydrogenase 3 family member A2; plus strand). Cytogenetic location: 17p11.2.
Variant type: single nucleotide variant.
Coding change: c.362C>T on transcript NM_000382.3 (MANE Select); coding-DNA position 362, C replaced by T.
Protein change: p.Pro121Leu; replaces proline 121 with leucine.
Molecular consequence: missense variant. On other transcripts: 5 prime UTR variant (1).
Genome position (GRCh38, 1-based): chr17:19,651,755, C>T. VCF-style: chr17-19651755-C-T. GRCh37 (hg19) VCF-style: chr17-19555068-C-T.
Other names: c.362C>T, p.Pro121Leu (NM_001031806.2, NM_001369136.1, NM_001369137.2 and 3 more transcripts); c.-327C>T (NM_001369148.2); short protein forms P121L.
Identifiers: ClinVar variation 3340051 (VCV003340051.1).

ClinVar aggregate classification (germline): Likely pathogenic (1 of 4 stars; one submission).

Conditions:
Sjögren-Larsson syndrome (SLS). Also called: FALDH DEFICIENCY; FATTY ALCOHOL:NAD+ OXIDOREDUCTASE DEFICIENCY; FATTY ALDEHYDE DEHYDROGENASE DEFICIENCY; ICHTHYOSIS, SPASTIC NEUROLOGIC DISORDER, AND OLIGOPHRENIA. Identifiers: Orphanet 816, MedGen C0037231, MONDO:0010031, OMIM 270200.

gnomAD v4.1: 1 of 1,614,146 alleles (0.000062%); highest among the groups gnomAD compares: Non-Finnish European, 0.000085%; no homozygotes.

Submission:

Women's Health and Genetics/Laboratory Corporation of America, LabCorp
Classification: Likely pathogenic for Sjögren-Larsson syndrome. Last evaluated: 2024-06-14. Review status: criteria provided, single submitter. Criteria: LabCorp Variant Classification Summary - May 2015. Collection method: clinical testing. Allele origin: germline.
Comment: Variant summary: ALDH3A2 c.362C>T (p.Pro121Leu) results in a non-conservative amino acid change located in the Aldehyde dehydrogenase domain (IPR015590) of the encoded protein sequence. Five of five in-silico tools predict a damaging effect of the variant on protein function. The variant was absent in 251396 control chromosomes. c.362C>T has been reported in the literature in at least one individual with unknown zygosity affected with Sjogren-Larsson Syndrome (Rizzo_1999). At least one publication reports experimental evidence evaluating an impact on protein function. The most pronounced variant effect results in <10% of normal fatty aldehyde dehydrogenase activity in transfected CHO cells (Rizzo_1999). The following publication has been ascertained in the context of this evaluation (PMID: 10577908). No submitters have cited clinical-significance assessments for this variant to ClinVar. Based on the evidence outlined above, the variant was classified as likely pathogenic.

Literature cited by the submitters: PubMed 10577908.